The following is an entry in ClinVar:

ClinVar aggregate classification (germline): Uncertain significance (1 of 4 stars; one submission).

gnomAD v4.1: 1 of 1,613,940 alleles (0.000062%); highest among the groups gnomAD compares: African/African-American, 0.0013%; no homozygotes.

Submission:

Labcorp Genetics (formerly Invitae), Labcorp
Classification: Uncertain significance. Last evaluated: 2025-07-13. Review status: criteria provided, single submitter. Criteria: Invitae Variant Classification Sherloc (09022015). Collection method: clinical testing. Allele origin: germline.
Comment: This sequence change replaces cysteine, which is neutral and slightly polar, with tryptophan, which is neutral and slightly polar, at codon 2238 of the POLE protein (p.Cys2238Trp). This variant is present in population databases (no rsID available, gnomAD 0.01%). This variant has not been reported in the literature in individuals affected with POLE-related conditions. ClinVar contains an entry for this variant (Variation ID: 575215). Invitae Evidence Modeling of protein sequence and biophysical properties (such as structural, functional, and spatial information, amino acid conservation, physicochemical variation, residue mobility, and thermodynamic stability) indicates that this missense variant is expected to disrupt POLE protein function with a positive predictive value of 80%. In summary, the available evidence is currently insufficient to determine the role of this variant in disease. Therefore, it has been classified as a Variant of Uncertain Significance.

NM_006231.4(POLE):c.6714C>G (p.Cys2238Trp)

Gene: POLE (DNA polymerase epsilon, catalytic subunit; minus strand). Cytogenetic location: 12q24.33.
Variant type: single nucleotide variant.
Coding change: c.6714C>G on transcript NM_006231.4 (MANE Select); coding-DNA position 6714, C replaced by G.
Protein change: p.Cys2238Trp; replaces cysteine 2238 with tryptophan.
Molecular consequence: missense variant.
Genome position (GRCh38, 1-based): chr12:132,624,938, G>C on the plus strand (C>G on the coding strand, the complement: POLE is on the minus strand). VCF-style: chr12-132624938-G-C. GRCh37 (hg19) VCF-style: chr12-133201524-G-C.
Other names: short protein forms C2238W.
Identifiers: ClinVar variation 575215 (VCV000575215.10), dbSNP rs200082120, ClinGen allele CA387366090.
Genomic context (GRCh38, chr12:132,624,938, plus strand): 5'-AGCCGAGGCAGATGAGGGAGAGCCCACCTGGGTGTGGATGGTGAGGGCGAAGTCTCCCGC[G>C]CAGCTGCAGTACACAGGCATGCTGGTCTCCTTCACCCCGCGGCACTTCAGGCAGACCTGA-3'
Protein context (NP_006222.2, residues 2228-2248): KETSMPVYCS[Cys2238Trp]AGDFALTIHT